The following is an entry in ClinVar:

NM_004168.4(SDHA):c.1393C>A (p.Arg465=)

Gene: SDHA (succinate dehydrogenase complex flavoprotein subunit A; plus strand). Cytogenetic location: 5p15.33.
Variant type: single nucleotide variant.
Coding change: c.1393C>A on transcript NM_004168.4 (MANE Select); coding-DNA position 1393, C replaced by A.
Protein change: p.Arg465=; no amino-acid change (arginine 465 retained).
Molecular consequence: synonymous variant.
Genome position (GRCh38, 1-based): chr5:236,560, C>A. VCF-style: chr5-236560-C-A. GRCh37 (hg19) VCF-style: chr5-236675-C-A.
Other names: c.1249C>A, p.Arg417= (NM_001294332.2); c.1393C>A, p.Arg465= (NM_001330758.2); c.1393C>A (NM_004168.2).
Identifiers: ClinVar variation 949094 (VCV000949094.12), dbSNP rs752461029, ClinGen allele CA442692141.

ClinVar aggregate classification (germline): Benign/Likely benign. Review status: criteria provided, multiple submitters, no conflicts (2 of 4 stars). 3 submissions from 3 submitters: Benign (1); Likely benign (2). Last evaluated 2025-06-06.

Conditions:
Hereditary cancer-predisposing syndrome. Also called: Hereditary Cancer Syndrome; Neoplastic Syndromes, Hereditary; Tumor predisposition; Hereditary neoplastic syndrome. Identifiers: Orphanet 140162, MedGen C0027672, MeSH D009386, MONDO:0015356.
Pheochromocytoma/paraganglioma syndrome 5. Also called: Paragangliomas 5; SDHA-Related Hereditary Paraganglioma-Pheochromocytoma Syndrome. Identifiers: Orphanet 29072, MedGen C3279992, MONDO:0013602, OMIM 614165.
Mitochondrial complex II deficiency, nuclear type 1. Also called: SUCCINATE CoQ REDUCTASE DEFICIENCY. Identifiers: Orphanet 3208, MedGen C5700310, MONDO:0100294, OMIM 252011.

gnomAD v4.1: 2 of 1,614,006 alleles (0.00012%); highest among the groups gnomAD compares: South Asian, 0.0022%; no homozygotes.

Submissions (3):

Labcorp Genetics (formerly Invitae), Labcorp
Classification: Likely benign for Pheochromocytoma/paraganglioma syndrome 5; Mitochondrial complex II deficiency, nuclear type 1. Last evaluated: 2025-06-06. Review status: criteria provided, single submitter. Criteria: Invitae Variant Classification Sherloc (09022015). Collection method: clinical testing. Allele origin: germline.

Myriad Genetics, Inc.
Classification: Benign for Pheochromocytoma/paraganglioma syndrome 5. Last evaluated: 2025-03-10. Review status: criteria provided, single submitter. Criteria: Myriad Autosomal Dominant, Autosomal Recessive and X-Linked Classification Criteria (2023). Collection method: clinical testing. Allele origin: unknown.
Comment: This variant is considered benign. This variant is a silent/synonymous amino acid change and it is not expected to impact splicing.

Ambry Genetics
Classification: Likely benign for Hereditary cancer-predisposing syndrome. Last evaluated: 2024-01-01. Review status: criteria provided, single submitter. Criteria: Ambry Variant Classification Scheme 2023. Collection method: clinical testing. Allele origin: germline.